The following is an entry in ClinVar:

NM_001165963.4(SCN1A):c.2599T>C (p.Phe867Leu)

Gene: SCN1A (sodium voltage-gated channel alpha subunit 1; minus strand). Cytogenetic location: 2q24.3.
Variant type: single nucleotide variant.
Coding change: c.2599T>C on transcript NM_001165963.4 (MANE Select); coding-DNA position 2599, T replaced by C.
Protein change: p.Phe867Leu; replaces phenylalanine 867 with leucine.
Molecular consequence: missense variant. On other transcripts: non-coding transcript variant (1).
Genome position (GRCh38, 1-based): chr2:166,038,123, A>G on the plus strand (T>C on the coding strand, the complement: SCN1A is on the minus strand). VCF-style: chr2-166038123-A-G. GRCh37 (hg19) VCF-style: chr2-166894633-A-G.
Other names: c.2515T>C, p.Phe839Leu (NM_001165964.3, NM_001353957.2, NM_001353958.2); c.2599T>C, p.Phe867Leu (NM_001202435.3, NM_001353948.2); c.2566T>C, p.Phe856Leu (NM_001353949.2, NM_001353950.2, NM_001353951.2 and 2 more transcripts); c.2563T>C, p.Phe855Leu (NM_001353954.2, NM_001353955.2); c.2512T>C, p.Phe838Leu (NM_001353960.2); c.157T>C, p.Phe53Leu (NM_001353961.2); short protein forms F867L, F53L, F838L, F839L, F855L, F856L.
Identifiers: ClinVar variation 3634044 (VCV003634044.2).

ClinVar aggregate classification (germline): Uncertain significance (1 of 4 stars; one submission).

Conditions:
Early-infantile DEE. Also called: Early infantile epileptic encephalopathy; Ohtahara syndrome; Early infantile epileptic encephalopathy with suppression bursts. Identifiers: Orphanet 1934, MedGen C0393706, MONDO:0800491.

gnomAD v4.1: 1 of 1,610,572 alleles (0.000062%); highest among the groups gnomAD compares: Admixed American, 0.0017%; no homozygotes.

Submission:

Labcorp Genetics (formerly Invitae), Labcorp
Classification: Uncertain significance for Early-infantile DEE. Last evaluated: 2025-12-16. Review status: criteria provided, single submitter. Criteria: Invitae Variant Classification Sherloc (09022015). Collection method: clinical testing. Allele origin: germline.
Comment: This sequence change replaces phenylalanine, which is neutral and non-polar, with leucine, which is neutral and non-polar, at codon 867 of the SCN1A protein (p.Phe867Leu). This variant is present in population databases (no rsID available, gnomAD 0.003%). This variant has not been reported in the literature in individuals affected with SCN1A-related conditions. ClinVar contains an entry for this variant (Variation ID: 3634044). Invitae Evidence Modeling of protein sequence and biophysical properties (such as structural, functional, and spatial information, amino acid conservation, physicochemical variation, residue mobility, and thermodynamic stability) has been performed for this missense variant. However, the output from this modeling did not meet the statistical confidence thresholds required to predict the impact of this variant on SCN1A protein function. In summary, the available evidence is currently insufficient to determine the role of this variant in disease. Therefore, it has been classified as a Variant of Uncertain Significance.